The following is an entry in ClinVar:

ClinVar aggregate classification (germline): Conflicting classifications of pathogenicity. Review status: criteria provided, conflicting classifications (1 of 4 stars). 9 submissions from 9 submitters: Uncertain significance (4); Benign (1); Likely benign (1). 3 of the submissions do not count toward it. Last evaluated 2026-01-31.

Conditions:
Primary ciliary dyskinesia. Also called: Ciliary dyskinesia. Identifiers: Orphanet 244, MedGen C0008780, MONDO:0016575, HP:0012265.
DNAH5-related disorder. Also called: DNAH5-related condition.
Primary ciliary dyskinesia 3. Identifiers: Orphanet 244, MedGen C1837618, MONDO:0012085, OMIM 608644.

Allele frequency attached by ClinVar (database versions not stated): gnomAD exomes 0.00009 and 0.00028; ExAC 0.00036; ESP Exome Variant Server 0.00092; 1000 Genomes Project 0.00100; 1000 Genomes Project 30x 0.00109; gnomAD 0.00111 and 0.00115; TOPMed 0.00122.
gnomAD v4.1: 314 of 1,613,886 alleles (0.019%); highest among the groups gnomAD compares: African/African-American, 0.38%; no homozygotes.

Submissions (9):

Labcorp Genetics (formerly Invitae), Labcorp
Classification: Likely benign for Primary ciliary dyskinesia. Last evaluated: 2026-01-31. Review status: criteria provided, single submitter. Criteria: Invitae Variant Classification Sherloc (09022015). Collection method: clinical testing. Allele origin: germline.

Mayo Clinic Laboratories, Mayo Clinic
Classification: Uncertain significance. Last evaluated: 2025-10-02. Review status: criteria provided, single submitter. Criteria: ACMG Guidelines, 2015. Collection method: clinical testing. Allele origin: germline. Observed: 1 variant allele.
Comment: BS1, PP3

GeneDx
Classification: Uncertain significance. Last evaluated: 2024-09-16. Review status: criteria provided, single submitter. Criteria: GeneDx Variant Classification Process June 2021. Collection method: clinical testing. Allele origin: germline. Affected: yes.
Comment: In silico analysis supports that this missense variant has a deleterious effect on protein structure/function; Has not been previously published as pathogenic or benign to our knowledge

Illumina Laboratory Services, Illumina
Classification: Uncertain significance for Primary ciliary dyskinesia 3. Last evaluated: 2018-01-12. Review status: criteria provided, single submitter. Criteria: ICSL Variant Classification Criteria 13 December 2019. Collection method: clinical testing. Allele origin: germline.

Ambry Genetics
Classification: Benign for Primary ciliary dyskinesia. Last evaluated: 2017-03-13. Review status: criteria provided, single submitter. Criteria: Ambry Variant Classification Scheme 2023. Collection method: clinical testing. Allele origin: germline.

Eurofins Ntd Llc (ga)
Classification: Uncertain significance. Last evaluated: 2016-11-09. Review status: criteria provided, single submitter. Criteria: EGL Classification Definitions 2015. Collection method: clinical testing. Allele origin: germline. Observed: 1 variant allele, 1 heterozygote.

PreventionGenetics, part of Exact Sciences
Classification: Likely benign for DNAH5-related condition. Last evaluated: 2023-05-01. Review status: no assertion criteria provided. Collection method: clinical testing. Allele origin: germline. Not counted in ClinVar's aggregate classification.
Comment: This variant is classified as likely benign based on ACMG/AMP sequence variant interpretation guidelines (Richards et al. 2015 PMID: 25741868, with internal and published modifications).

Natera, Inc.
Classification: Uncertain significance for Primary ciliary dyskinesia. Last evaluated: 2019-11-11. Review status: no assertion criteria provided. Collection method: clinical testing. Allele origin: germline. Not counted in ClinVar's aggregate classification.

Department of Pathology and Laboratory Medicine, Sinai Health System
Classification: Uncertain significance. Review status: no assertion criteria provided. Collection method: clinical testing. Allele origin: unknown. Affected: yes. Study: The Canadian Open Genetics Repository (COGR). Not counted in ClinVar's aggregate classification.
Comment: The DNAH5 p.Gly2668Arg variant was not identified in the literature nor was it identified in the LOVD 3.0 database. The variant was identified in dbSNP (ID: rs147236883), Cosmic and ClinVar (classified as a VUS for Primary Ciliary Dyskinesia by Illumina in 2016, as a VUS by EGL Genetic Diagnostics in 2016, and as likely benign for Ciliary Dyskinesia by Invitae in 2017). The variant was also identified in control databases in 115 of 282222 chromosomes at a frequency of 0.000407 increasing the likelihood this could be a low frequency benign variant (Genome Aggregation Database Feb 27, 2017). The variant was observed in the following populations: African in 110 of 24954 chromosomes (freq: 0.004408), Latino in 4 of 35422 chromosomes (freq: 0.000113) and European (non-Finnish) in 1 of 128626 chromosomes (freq: 0.000008); it was not observed in the Ashkenazi Jewish, East Asian, European (Finnish), Other or South Asian populations. The p.Gly2668 residue is conserved across mammals and other organisms, and computational analyses (PolyPhen-2, SIFT, AlignGVGD, BLOSUM, MutationTaster) suggest that the variant may impact the protein; however, this information is not predictive enough to assume pathogenicity. The variant occurs outside of the splicing consensus sequence and in silico or computational prediction software programs (SpliceSiteFinder, MaxEntScan, NNSPLICE, GeneSplicer) do not predict a difference in splicing. In summary, based on the above information the clinical significance of this variant cannot be determined with certainty at this time. This variant is classified as a variant of uncertain significance.

NM_001369.3(DNAH5):c.8002G>A (p.Gly2668Arg)

Gene: DNAH5 (dynein axonemal heavy chain 5; minus strand). Cytogenetic location: 5p15.2.
Variant type: single nucleotide variant.
Coding change: c.8002G>A on transcript NM_001369.3 (MANE Select); coding-DNA position 8002, G replaced by A.
Protein change: p.Gly2668Arg; replaces glycine 2668 with arginine.
Molecular consequence: missense variant.
Genome position (GRCh38, 1-based): chr5:13,793,944, C>T on the plus strand (G>A on the coding strand, the complement: DNAH5 is on the minus strand). VCF-style: chr5-13793944-C-T. GRCh37 (hg19) VCF-style: chr5-13794053-C-T.
Other names: p.Gly2668Arg; short protein forms G2668R.
Identifiers: ClinVar variation 351057 (VCV000351057.26), dbSNP rs147236883, ClinGen allele CA3202939.